The following is an entry in ClinVar:

NM_212550.5(BLOC1S3):c.86G>A (p.Arg29His)

Gene: BLOC1S3 (biogenesis of lysosomal organelles complex 1 subunit 3; plus strand). Cytogenetic location: 19q13.32.
Variant type: single nucleotide variant.
Coding change: c.86G>A on transcript NM_212550.5 (MANE Select); coding-DNA position 86, G replaced by A.
Protein change: p.Arg29His; replaces arginine 29 with histidine.
Molecular consequence: missense variant.
Genome position (GRCh38, 1-based): chr19:45,179,382, G>A. VCF-style: chr19-45179382-G-A. GRCh37 (hg19) VCF-style: chr19-45682640-G-A.
Other names: short protein forms R29H.
Identifiers: ClinVar variation 1961381 (VCV001961381.2), dbSNP rs370018943, ClinGen allele CA406344113.
Genomic context (GRCh38, chr19:45,179,382, plus strand): 5'-GGCCCCTGCGGAGGCCGGAGACGGTGGTGCCGGGGGAGGCGACCGAGACGGATTCCGAGC[G>A]CTCTGCGTCCTCGTCGGAGGAGGAGGAGCTGTACCTGGGTCCTTCGGGCCCGACGCGCGG-3'
Protein context (NP_997715.1, residues 19-39): PGEATETDSE[Arg29His]SASSSEEEEL

ClinVar aggregate classification (germline): Uncertain significance (1 of 4 stars; one submission).

Submission:

Labcorp Genetics (formerly Invitae), Labcorp
Classification: Uncertain significance. Last evaluated: 2022-01-01. Review status: criteria provided, single submitter. Criteria: Invitae Variant Classification Sherloc (09022015). Collection method: clinical testing. Allele origin: germline.
Comment: This sequence change replaces arginine, which is basic and polar, with histidine, which is basic and polar, at codon 29 of the BLOC1S3 protein (p.Arg29His). This variant is not present in population databases (gnomAD no frequency). This variant has not been reported in the literature in individuals affected with BLOC1S3-related conditions. Algorithms developed to predict the effect of missense changes on protein structure and function (SIFT, PolyPhen-2, Align-GVGD) all suggest that this variant is likely to be tolerated. In summary, the available evidence is currently insufficient to determine the role of this variant in disease. Therefore, it has been classified as a Variant of Uncertain Significance.